The following is an entry in ClinVar:

ClinVar aggregate classification (germline): Uncertain significance (1 of 4 stars; one submission).

Conditions:
Cardiovascular phenotype. Identifiers: MedGen CN230736.

Submission:

Ambry Genetics
Classification: Uncertain significance for Cardiovascular phenotype. Last evaluated: 2026-01-08. Review status: criteria provided, single submitter. Criteria: Ambry Variant Classification Scheme 2023. Collection method: clinical testing. Allele origin: germline.
Comment: The c.2825_2827delCCCinsTCG variant (also known as p.P942_P943delinsLA), located in coding exon 19 of the VCL gene, results from an in-frame deletion of CCC and insertion of TCG at nucleotide positions 2825 to 2827. This results in the substitution of two proline residues for leucine and alanine residues at codons 942 and 943. These amino acid positions are not well conserved in available vertebrate species. In addition, the in silico prediction for this variant is inconclusive (Choi Y et al. PLoS ONE. 2012; 7(10):e46688). Based on the available evidence, the clinical significance of this variant remains unclear.

NM_014000.3(VCL):c.2825_2827delinsTCG (p.Pro942_Pro943delinsLeuAla)

Gene: VCL (vinculin; plus strand). Cytogenetic location: 10q22.2.
Variant type: Indel.
Coding change: c.2825_2827delinsTCG on transcript NM_014000.3 (MANE Select); coding-DNA positions 2825 to 2827, CCC replaced by TCG.
Protein change: p.Pro942_Pro943delinsLeuAla.
Molecular consequence: missense variant. On other transcripts: intron variant (1).
Genome position (GRCh38, 1-based): chr10:74,111,988-74,111,990, CCC replaced by TCG. VCF-style: chr10-74111988-CCC-TCG. GRCh37 (hg19) VCF-style: chr10-75871746-CCC-TCG.
Other names: c.2746-2196_2746-2194delinsTCG (NM_003373.4).
Identifiers: ClinVar variation 3226296 (VCV003226296.2), dbSNP rs2549235917, ClinGen allele CA2825001704.